The following is an entry in ClinVar:

NM_001374736.1(DST):c.5858C>T (p.Pro1953Leu)

Gene: DST (dystonin; minus strand). Cytogenetic location: 6p12.1.
Variant type: single nucleotide variant.
Coding change: c.5858C>T on transcript NM_001374736.1 (MANE Select); coding-DNA position 5858, C replaced by T.
Protein change: p.Pro1953Leu; replaces proline 1953 with leucine.
Molecular consequence: missense variant. On other transcripts: intron variant (6).
Genome position (GRCh38, 1-based): chr6:56,608,770, G>A on the plus strand (C>T on the coding strand, the complement: DST is on the minus strand). VCF-style: chr6-56608770-G-A. GRCh37 (hg19) VCF-style: chr6-56473568-G-A.
Other names: c.5858C>T, p.Pro1953Leu (NM_001374722.1); c.5225C>T, p.Pro1742Leu (NM_001374729.1); c.5885C>T, p.Pro1962Leu (NM_001374734.1); c.5184+1657C>T (NM_001144769.5); c.4770+1657C>T (NM_001144770.2); c.4650+1657C>T (NM_001374730.1, NM_001386100.1, NM_183380.4); c.3672+1657C>T (NM_015548.5); short protein forms P1742L, P1953L, P1962L.
Identifiers: ClinVar variation 2656671 (VCV002656671.24), dbSNP rs200872354, ClinGen allele CA3869648.

ClinVar aggregate classification (germline): Uncertain significance (1 of 4 stars; one submission).

Allele frequency attached by ClinVar (database versions not stated): 1000 Genomes Project 0.00020; TOPMed 0.00023; ESP Exome Variant Server 0.00025; gnomAD 0.00025; ExAC 0.00026; 1000 Genomes Project 30x 0.00031; gnomAD exomes 0.00034.
gnomAD v4.1: 533 of 1,609,212 alleles (0.033%); highest among the groups gnomAD compares: Non-Finnish European, 0.039%; 1 homozygote.

Submission:

CeGaT Center for Human Genetics Tuebingen
Classification: Uncertain significance. Last evaluated: 2024-07-01. Review status: criteria provided, single submitter. Criteria: CeGaT Center For Human Genetics Tuebingen Variant Classification Criteria Version 2. Collection method: clinical testing. Allele origin: germline. Affected: yes. Observed: 2 variant alleles.
Comment: DST: PP3